The following is an entry in ClinVar:

NM_024079.5(ALG8):c.898+9G>A

Gene: ALG8 (ALG8 alpha-1,3-glucosyltransferase; minus strand). Cytogenetic location: 11q14.1.
Variant type: single nucleotide variant.
Coding change: c.898+9G>A on transcript NM_024079.5 (MANE Select); 9 bases into the intron after coding-DNA position 898, G replaced by A.
Molecular consequence: intron variant.
Genome position (GRCh38, 1-based): chr11:78,112,641, C>T on the plus strand (G>A on the coding strand, the complement: ALG8 is on the minus strand). VCF-style: chr11-78112641-C-T. GRCh37 (hg19) VCF-style: chr11-77823687-C-T.
Other names: c.898+9G>A (NM_001007027.3).
Identifiers: ClinVar variation 3029430 (VCV003029430.3), dbSNP rs377616618, ClinGen allele CA6203299.
Genomic context (GRCh38, chr11:78,112,641, plus strand): 5'-TTCCATTTCTCCATGTGCCTAAGTCCTTTCAATATTCAGAGTCTGAGTAAAAAATGCTCG[C>T]TACCATACCGATGACAGACAGCACTTTGTCCAAAGCATTGTACAAAGCCCAGAAGTTTGG-3'

ClinVar aggregate classification (germline): Uncertain significance. Review status: criteria provided, single submitter (1 of 4 stars). 2 submissions from 2 submitters: Uncertain significance (1). 1 of the submissions does not count toward it. Last evaluated 2024-06-19.

Conditions:
ALG8 congenital disorder of glycosylation. Also called: CONGENITAL DISORDER OF GLYCOSYLATION, TYPE Ih; CDG Ih; ALG8-CDG. Identifiers: Orphanet 79325, MedGen C2931002, MONDO:0011969, OMIM 608104.
Polycystic liver disease 3 with or without kidney cysts. Identifiers: MedGen C4693472, MONDO:0054743, OMIM 617874.
ALG8-related disorder.

Allele frequency attached by ClinVar (database versions not stated): ExAC 0.00001; gnomAD exomes 0.00001; TOPMed 0.00001; ESP Exome Variant Server 0.00008.
gnomAD v4.1: 17 of 1,613,482 alleles (0.0011%); highest among the groups gnomAD compares: Non-Finnish European, 0.0014%; no homozygotes.

Submissions (2):

Fulgent Genetics
Classification: Uncertain significance for ALG8 congenital disorder of glycosylation; Polycystic liver disease 3 with or without kidney cysts. Last evaluated: 2024-06-19. Review status: criteria provided, single submitter. Criteria: ACMG Guidelines, 2015. Collection method: clinical testing. Allele origin: germline.

PreventionGenetics, part of Exact Sciences
Classification: Likely benign for ALG8-related condition. Last evaluated: 2023-02-27. Review status: no assertion criteria provided. Collection method: clinical testing. Allele origin: germline. Not counted in ClinVar's aggregate classification.
Comment: This variant is classified as likely benign based on ACMG/AMP sequence variant interpretation guidelines (Richards et al. 2015 PMID: 25741868, with internal and published modifications).